The following is an entry in ClinVar:

NM_003630.3(PEX3):c.1078A>G (p.Asn360Asp)

Gene: PEX3 (peroxisomal biogenesis factor 3; plus strand). Cytogenetic location: 6q24.2.
Variant type: single nucleotide variant.
Coding change: c.1078A>G on transcript NM_003630.3 (MANE Select); coding-DNA position 1078, A replaced by G.
Protein change: p.Asn360Asp; replaces asparagine 360 with aspartic acid.
Molecular consequence: missense variant.
Genome position (GRCh38, 1-based): chr6:143,489,182, A>G. VCF-style: chr6-143489182-A-G. GRCh37 (hg19) VCF-style: chr6-143810319-A-G.
Other names: short protein forms N360D.
Identifiers: ClinVar variation 855143 (VCV000855143.9), dbSNP rs1780354382, ClinGen allele CA365888687.

ClinVar aggregate classification (germline): Uncertain significance (1 of 4 stars; one submission).

Submission:

Labcorp Genetics (formerly Invitae), Labcorp
Classification: Uncertain significance. Last evaluated: 2022-02-03. Review status: criteria provided, single submitter. Criteria: Invitae Variant Classification Sherloc (09022015). Collection method: clinical testing. Allele origin: germline.
Comment: ClinVar contains an entry for this variant (Variation ID: 855143). This sequence change replaces asparagine, which is neutral and polar, with aspartic acid, which is acidic and polar, at codon 360 of the PEX3 protein (p.Asn360Asp). This variant is not present in population databases (gnomAD no frequency). This variant has not been reported in the literature in individuals affected with PEX3-related conditions. Algorithms developed to predict the effect of missense changes on protein structure and function are either unavailable or do not agree on the potential impact of this missense change (SIFT: "Tolerated"; PolyPhen-2: "Probably Damaging"; Align-GVGD: "Class C0"). In summary, the available evidence is currently insufficient to determine the role of this variant in disease. Therefore, it has been classified as a Variant of Uncertain Significance.